The following is an entry in ClinVar:

ClinVar aggregate classification (germline): Pathogenic (1 of 4 stars; one submission).

Submission:

Labcorp Genetics (formerly Invitae), Labcorp
Classification: Pathogenic. Last evaluated: 2022-05-12. Review status: criteria provided, single submitter. Criteria: Invitae Variant Classification Sherloc (09022015). Collection method: clinical testing. Allele origin: germline.
Comment: This sequence change creates a premature translational stop signal (p.Ser1753Glnfs*28) in the POLE gene. It is expected to result in an absent or disrupted protein product. Loss-of-function variants in POLE are known to be pathogenic (PMID: 23230001, 25948378, 30503519). This variant is not present in population databases (gnomAD no frequency). This variant has not been reported in the literature in individuals affected with POLE-related conditions. For these reasons, this variant has been classified as Pathogenic.

Literature cited by the submitters: PubMed 23230001; PubMed 25948378; PubMed 30503519.

NM_006231.4(POLE):c.5256_5266del (p.Ser1753fs)

Gene: POLE (DNA polymerase epsilon, catalytic subunit; minus strand). Cytogenetic location: 12q24.33.
Variant type: Deletion.
Coding change: c.5256_5266del on transcript NM_006231.4 (MANE Select); coding-DNA positions 5256 to 5266, 11 bases deleted (CAGCATGGGGA).
Protein change: p.Ser1753fs; shifts the reading frame from serine 1753.
Molecular consequence: frameshift variant.
Genome position (GRCh38, 1-based): chr12:132,641,759-132,641,769, TCCCCATGCTG deleted on the plus strand (CAGCATGGGGA on the coding strand, the reverse complement: POLE is on the minus strand); deleting any 11 consecutive bases within chr12:132,641,759-132,641,771 gives the same sequence; the c. name uses the placement nearest the transcript's 3' end. VCF-style (leftmost placement, unchanged base first): chr12-132641758-ATCCCCATGCTG-A. GRCh37 (hg19) VCF-style: chr12-133218344-ATCCCCATGCTG-A.
Other names: short protein forms S1753fs.
Identifiers: ClinVar variation 1525876 (VCV001525876.6), dbSNP rs1212640732, ClinGen allele CA685535789.